The following is an entry in ClinVar:

ClinVar aggregate classification (germline): Conflicting classifications of pathogenicity. Review status: criteria provided, conflicting classifications (1 of 4 stars). 4 submissions from 4 submitters: Uncertain significance (2); Likely benign (2). Last evaluated 2026-08-06.

Conditions:
Lung cancer. Also called: Lung cancer, somatic; Malignant tumor of lung. Identifiers: MedGen C0242379, MONDO:0008903, OMIM 211980.
Hereditary cancer-predisposing syndrome. Also called: Neoplastic Syndromes, Hereditary; Hereditary Cancer Syndrome; Tumor predisposition; Hereditary neoplastic syndrome. Identifiers: Orphanet 140162, MedGen C0027672, MeSH D009386, MONDO:0015356.
EGFR-related lung cancer (EGFR). Identifiers: MedGen CN130014.
Lung carcinoma. Identifiers: MedGen C0684249, MONDO:0005138.

gnomAD v4.1: 8 of 1,614,116 alleles (0.0005%); highest among the groups gnomAD compares: Admixed American, 0.0033%; no homozygotes.

Submissions (4):

OLLIN Analises Genomicas, OLLIN
Classification: Uncertain significance for Lung cancer. Last evaluated: 2026-08-06. Review status: criteria provided, single submitter. Criteria: ACMG Guidelines 2015 PMID 25741868. Collection method: clinical testing. Allele origin: germline. Inheritance: Autosomal dominant inheritance.
Comment: This missense variant, located in exon 4 (of 28), has been reported in ClinVar (accession VCV000584686.11) and in gnomAD with an allele frequency of 0.0005%. However, to our knowledge, it has not been reported in the scientific literature. In silico analysis predicts that this variant has a tolerated effect. This gene is constrained for missense variation. According to the currently available evidence, this variant has been classified as uncertain significance (PP2, BP4_M).

Labcorp Genetics (formerly Invitae), Labcorp
Classification: Uncertain significance for EGFR-related lung cancer. Last evaluated: 2025-08-18. Review status: criteria provided, single submitter. Criteria: Invitae Variant Classification Sherloc (09022015). Collection method: clinical testing. Allele origin: germline.
Comment: This sequence change replaces serine, which is neutral and polar, with asparagine, which is neutral and polar, at codon 170 of the EGFR protein (p.Ser170Asn). This variant is present in population databases (rs758945260, gnomAD 0.006%). This missense change has been observed in individual(s) with breast cancer (PMID: 35264596, 35980532). ClinVar contains an entry for this variant (Variation ID: 584686). An algorithm developed to predict the effect of missense changes on protein structure and function outputs the following: PolyPhen-2: "Benign". The asparagine amino acid residue is found in multiple mammalian species, which suggests that this missense change does not adversely affect protein function. In summary, the available evidence is currently insufficient to determine the role of this variant in disease. Therefore, it has been classified as a Variant of Uncertain Significance.

Ambry Genetics
Classification: Likely benign for Hereditary cancer-predisposing syndrome. Last evaluated: 2024-10-17. Review status: criteria provided, single submitter. Criteria: Ambry Variant Classification Scheme 2023. Collection method: clinical testing. Allele origin: germline.

Mendelics
Classification: Likely benign for Lung cancer. Last evaluated: 2019-05-28. Review status: criteria provided, single submitter. Criteria: Mendelics Assertion Criteria 2017. Collection method: clinical testing. Allele origin: unknown.

Literature cited by the submitters: PubMed 35264596 (cited by Labcorp Genetics (formerly Invitae), Labcorp); PubMed 35980532 (cited by Labcorp Genetics (formerly Invitae), Labcorp).

NM_005228.5(EGFR):c.509G>A (p.Ser170Asn)

Gene: EGFR (epidermal growth factor receptor; plus strand). Cytogenetic location: 7p11.2.
Variant type: single nucleotide variant.
Coding change: c.509G>A on transcript NM_005228.5 (MANE Select); coding-DNA position 509, G replaced by A.
Protein change: p.Ser170Asn; replaces serine 170 with asparagine.
Molecular consequence: missense variant. On other transcripts: intron variant (3).
Genome position (GRCh38, 1-based): chr7:55,146,690, G>A. VCF-style: chr7-55146690-G-A. GRCh37 (hg19) VCF-style: chr7-55214383-G-A.
Other names: c.509G>A, p.Ser170Asn (NM_001346898.2, NM_201282.2, NM_201283.2 and 1 more transcripts); c.350G>A, p.Ser117Asn (NM_001346900.2); c.424+3202G>A (NM_001346899.2, NM_001346897.2); c.89-9140G>A (NM_001346941.2); short protein forms S170N, S117N.
Identifiers: ClinVar variation 584686 (VCV000584686.12), dbSNP rs758945260, ClinGen allele CA4265234.
Genomic context (GRCh38, chr7:55,146,690, plus strand): 5'-TCAGCAACAACCCTGCCCTGTGCAACGTGGAGAGCATCCAGTGGCGGGACATAGTCAGCA[G>A]TGACTTTCTCAGCAACATGTCGATGGACTTCCAGAACCACCTGGGCAGCTGTAAGTGTCG-3'
Protein context (NP_005219.2, residues 160-180): ESIQWRDIVS[Ser170Asn]DFLSNMSMDF